The following is an entry in ClinVar:

NM_019032.6(ADAMTSL4):c.3052C>T (p.Arg1018Cys)

Genes: ADAMTSL4 (ADAMTS like 4; plus strand), LOC129931410 (ATAC-STARR-seq lymphoblastoid active region 1691; plus strand). Cytogenetic location: 1q21.2.
Variant type: single nucleotide variant.
Coding change: c.3052C>T on transcript NM_019032.6 (MANE Select); coding-DNA position 3052, C replaced by T.
Protein change: p.Arg1018Cys; replaces arginine 1018 with cysteine.
Molecular consequence: missense variant.
Genome position (GRCh38, 1-based): chr1:150,559,869, C>T. VCF-style: chr1-150559869-C-T. GRCh37 (hg19) VCF-style: chr1-150532345-C-T.
Other names: c.2935C>T, p.Arg979Cys (NM_001288607.2); c.3121C>T, p.Arg1041Cys (NM_001288608.2); c.3052C>T, p.Arg1018Cys (NM_001378596.1); short protein forms R1018C, R1041C, R979C.
Identifiers: ClinVar variation 1905619 (VCV001905619.2), dbSNP rs1672602835, ClinGen allele CA342318788.

ClinVar aggregate classification (germline): Uncertain significance (1 of 4 stars; one submission).

Allele frequency attached by ClinVar (database versions not stated): gnomAD exomes below 0.00001; TOPMed 0.00001.

Submission:

Labcorp Genetics (formerly Invitae), Labcorp
Classification: Uncertain significance. Last evaluated: 2022-06-23. Review status: criteria provided, single submitter. Criteria: Invitae Variant Classification Sherloc (09022015). Collection method: clinical testing. Allele origin: germline.
Comment: This sequence change replaces arginine, which is basic and polar, with cysteine, which is neutral and slightly polar, at codon 1018 of the ADAMTSL4 protein (p.Arg1018Cys). This variant is not present in population databases (gnomAD no frequency). This variant has not been reported in the literature in individuals affected with ADAMTSL4-related conditions. Algorithms developed to predict the effect of missense changes on protein structure and function (SIFT, PolyPhen-2, Align-GVGD) all suggest that this variant is likely to be disruptive. In summary, the available evidence is currently insufficient to determine the role of this variant in disease. Therefore, it has been classified as a Variant of Uncertain Significance.